The following is an entry in ClinVar:

ClinVar aggregate classification (germline): Uncertain significance (1 of 4 stars; one submission).

Conditions:
Cerebellar atrophy, visual impairment, and psychomotor retardation;. Also called: Cerebellar atrophy, visual impairment, and psychomotor retardation. Identifiers: MedGen C4225172, MONDO:0014811, OMIM 616875.

Allele frequency attached by ClinVar (database versions not stated): gnomAD exomes below 0.00001.
gnomAD v4.1: 1 of 1,611,988 alleles (0.000062%); highest among the groups gnomAD compares: Non-Finnish European, 0.000085%; no homozygotes.

Submission:

Baylor Genetics
Classification: Uncertain significance for Cerebellar atrophy, visual impairment, and psychomotor retardation;. Last evaluated: 2018-06-25. Review status: criteria provided, single submitter. Criteria: ACMG Guidelines, 2015. Collection method: clinical testing. Allele origin: paternal. Affected: yes.
Comment: This variant was determined to be of uncertain significance according to ACMG Guidelines, 2015 [PMID:25741868].

NM_015047.3(EMC1):c.2591G>T (p.Gly864Val)

Genes: EMC1 (ER membrane protein complex subunit 1; minus strand), EMC1-AS1 (EMC1 antisense RNA 1; plus strand). Cytogenetic location: 1p36.13.
Variant type: single nucleotide variant.
Coding change: c.2591G>T on transcript NM_015047.3 (MANE Select); coding-DNA position 2591, G replaced by T.
Protein change: p.Gly864Val; replaces glycine 864 with valine.
Molecular consequence: missense variant.
Genome position (GRCh38, 1-based): chr1:19,220,845, C>A on the plus strand (G>T on the coding strand, the complement: EMC1 is on the minus strand). VCF-style: chr1-19220845-C-A. GRCh37 (hg19) VCF-style: chr1-19547339-C-A.
Other names: c.2588G>T, p.Gly863Val (NM_001271427.2, NM_001271428.2); c.2525G>T, p.Gly842Val (NM_001271429.2); c.2600G>T, p.Gly867Val (NM_001375820.1); c.2597G>T, p.Gly866Val (NM_001375821.1); short protein forms G842V, G863V, G867V, G864V, G866V.
Identifiers: ClinVar variation 1031861 (VCV001031861.1), dbSNP rs2093425936, ClinGen allele CA338752595.